The following is an entry in ClinVar:

NM_002087.4(GRN):c.18C>G (p.Ser6Arg)

Gene: GRN (granulin precursor; plus strand). Cytogenetic location: 17q21.31.
Variant type: single nucleotide variant.
Coding change: c.18C>G on transcript NM_002087.4 (MANE Select); coding-DNA position 18, C replaced by G.
Protein change: p.Ser6Arg; replaces serine 6 with arginine.
Molecular consequence: missense variant.
Genome position (GRCh38, 1-based): chr17:44,349,182, C>G. VCF-style: chr17-44349182-C-G. GRCh37 (hg19) VCF-style: chr17-42426550-C-G.
Other names: short protein forms S6R.
Identifiers: ClinVar variation 1962903 (VCV001962903.5), dbSNP rs768654819, ClinGen allele CA399759026.

ClinVar aggregate classification (germline): Uncertain significance (1 of 4 stars; one submission).

Conditions:
Neuronal ceroid lipofuscinosis 11. Also called: GRN-Related Neuronal Ceroid-Lipofuscinosis. Identifiers: Orphanet 314629, Orphanet 79262, MedGen C3539123, MONDO:0013866, OMIM 614706.
GRN-related frontotemporal lobar degeneration with Tdp43 inclusions (FTD2). Also called: GRN Frontotemporal Dementia; FRONTOTEMPORAL DEMENTIA WITH TDP43 INCLUSIONS, GRN-RELATED; DEMENTIA, HEREDITARY DYSPHASIC DISINHIBITION; FRONTOTEMPORAL LOBAR DEGENERATION WITH UBIQUITIN-POSITIVE INCLUSIONS; FTLD-TDP, GRN-RELATED. Identifiers: Orphanet 100070, Orphanet 282, MedGen C1843792, MONDO:0011842, OMIM 607485. Disease mechanism: loss of function.

Submission:

Labcorp Genetics (formerly Invitae), Labcorp
Classification: Uncertain significance for Neuronal ceroid lipofuscinosis 11; GRN-related frontotemporal lobar degeneration with Tdp43 inclusions. Last evaluated: 2022-01-26. Review status: criteria provided, single submitter. Criteria: Invitae Variant Classification Sherloc (09022015). Collection method: clinical testing. Allele origin: germline.
Comment: In summary, the available evidence is currently insufficient to determine the role of this variant in disease. Therefore, it has been classified as a Variant of Uncertain Significance. This sequence change replaces serine, which is neutral and polar, with arginine, which is basic and polar, at codon 6 of the GRN protein (p.Ser6Arg). This variant is not present in population databases (gnomAD no frequency). This variant has not been reported in the literature in individuals affected with GRN-related conditions. Algorithms developed to predict the effect of missense changes on protein structure and function are either unavailable or do not agree on the potential impact of this missense change (SIFT: "Tolerated"; PolyPhen-2: "Possibly Damaging"; Align-GVGD: "Class C0"). Algorithms developed to predict the effect of sequence changes on RNA splicing suggest that this variant may create or strengthen a splice site.